The following is an entry in ClinVar:

ClinVar aggregate classification (germline): Likely pathogenic. Review status: criteria provided, multiple submitters, no conflicts (2 of 4 stars). 2 submissions from 2 submitters: Likely pathogenic (2). Last evaluated 2025-09-02.

Conditions:
Gorlin syndrome. Also called: Basal cell nevus syndrome; Nevoid Basal Cell Carcinoma Syndrome. Identifiers: Orphanet 377, MedGen C0004779, MONDO:0007187.

Submissions (2):

Labcorp Genetics (formerly Invitae), Labcorp
Classification: Likely pathogenic for Gorlin syndrome. Last evaluated: 2025-09-02. Review status: criteria provided, single submitter. Criteria: Invitae Variant Classification Sherloc (09022015). Collection method: clinical testing. Allele origin: germline.
Comment: This sequence change replaces glutamine, which is neutral and polar, with histidine, which is basic and polar, at codon 501 of the PTCH1 protein (p.Gln501His). This variant also falls at the last nucleotide of exon 10, which is part of the consensus splice site for this exon. This variant is not present in population databases (gnomAD no frequency). This missense change has been observed in individual(s) with nevoid basal cell carcinoma syndrome (internal data). ClinVar contains an entry for this variant (Variation ID: 1342766). Invitae Evidence Modeling of protein sequence and biophysical properties (such as structural, functional, and spatial information, amino acid conservation, physicochemical variation, residue mobility, and thermodynamic stability) has been performed for this missense variant. However, the output from this modeling did not meet the statistical confidence thresholds required to predict the impact of this variant on PTCH1 protein function. Variants that disrupt the consensus splice site are a relatively common cause of aberrant splicing (PMID: 17576681, 9536098). Algorithms developed to predict the effect of sequence changes on RNA splicing suggest that this variant may disrupt the consensus splice site. This variant disrupts the p.Gln501 amino acid residue in PTCH1. Other variant(s) that disrupt this residue have been determined to be pathogenic (PMID: 26544948; internal data). This suggests that this residue is clinically significant, and that variants that disrupt this residue are likely to be disease-causing. In summary, the currently available evidence indicates that the variant is pathogenic, but additional data are needed to prove that conclusively. Therefore, this variant has been classified as Likely Pathogenic.

GeneDx
Classification: Likely pathogenic. Last evaluated: 2022-03-08. Review status: criteria provided, single submitter. Criteria: GeneDx Variant Classification Process June 2021. Collection method: clinical testing. Allele origin: germline. Affected: yes.
Comment: Not observed at significant frequency in large population cohorts (gnomAD); In silico analysis supports that this missense variant has a deleterious effect on protein structure/function; Has not been previously published as pathogenic or benign to our knowledge; Targeted RNA studies using blood from this patient demonstrate that this variant alters RNA splicing, leading to an aberrant splice product, which results in the in-frame skipping of exon 10 and is predicted to result in an in-frame deletion of 52 amino acids. Both wildtype and variant RNA transcripts were observed in the proband; however, the aberrant splice product was expressed at higher levels compared to wildtype. The aberrant splice product was detected at low levels in the maternal sample and control samples. These studies cannot exclude the possibility that this variant may have a different impact on alternative splicing and expression in other tissues.; This variant is associated with the following publications: (PMID: 11369205)

Literature cited by the submitters: PubMed 17576681 (cited by Labcorp Genetics (formerly Invitae), Labcorp); PubMed 9536098 (cited by Labcorp Genetics (formerly Invitae), Labcorp); PubMed 26544948 (cited by Labcorp Genetics (formerly Invitae), Labcorp).

NM_000264.5(PTCH1):c.1503G>T (p.Gln501His)

Gene: PTCH1 (patched 1; minus strand). Cytogenetic location: 9q22.32.
Variant type: single nucleotide variant.
Coding change: c.1503G>T on transcript NM_000264.5 (MANE Select); coding-DNA position 1503, G replaced by T.
Protein change: p.Gln501His; replaces glutamine 501 with histidine.
Molecular consequence: missense variant. On other transcripts: non-coding transcript variant (1), intron variant (1).
Genome position (GRCh38, 1-based): chr9:95,477,547, C>A on the plus strand (G>T on the coding strand, the complement: PTCH1 is on the minus strand). VCF-style: chr9-95477547-C-A. GRCh37 (hg19) VCF-style: chr9-98239829-C-A.
Other names: c.1305G>T, p.Gln435His (NM_001083602.3); c.1500G>T, p.Gln500His (NM_001083603.3); c.1050G>T, p.Gln350His (NM_001083604.3, NM_001083605.3, NM_001083606.3 and 1 more transcripts); c.1347+508G>T (NM_001354918.2); short protein forms Q350H, Q435H, Q500H, Q501H.
Identifiers: ClinVar variation 1342766 (VCV001342766.6), dbSNP rs1085307511, ClinGen allele CA374118368.